The following is an entry in ClinVar:

ClinVar aggregate classification (germline): Uncertain significance. Review status: criteria provided, multiple submitters, no conflicts (2 of 4 stars). 7 submissions from 7 submitters: Uncertain significance (7). Last evaluated 2024-09-11.

Conditions:
Catecholaminergic polymorphic ventricular tachycardia 1. Also called: VENTRICULAR TACHYCARDIA, CATECHOLAMINERGIC POLYMORPHIC, 1, WITH OR WITHOUT ATRIAL DYSFUNCTION AND/OR DILATED CARDIOMYOPATHY; RYR2-Related Catecholaminergic Polymorphic Ventricular Tachycardia; VENTRICULAR TACHYCARDIA, STRESS-INDUCED POLYMORPHIC 1. Identifiers: Orphanet 3286, MedGen C1631597, MONDO:0011484, OMIM 604772.
Ventricular arrhythmias due to cardiac ryanodine receptor calcium release deficiency syndrome. Also called: Autosomal dominant cardiac arrhythmia (Kuhn). Identifiers: MedGen C5542154, MONDO:0020745, OMIM 115000.
Cardiovascular phenotype. Identifiers: MedGen CN230736.
Catecholaminergic polymorphic ventricular tachycardia (CVPT). Also called: Catecholamine-induced polymorphic ventricular tachycardia. Identifiers: Orphanet 3286, MedGen C5574922, MONDO:0017990.
Cardiomyopathy (CMYO). Also called: Cardiomyopathies. Identifiers: Orphanet 167848, MedGen C0878544, MONDO:0004994, HP:0001638. Inheritance: Various modes of inheritance.

Allele frequency attached by ClinVar (database versions not stated): TOPMed 0.00002; ExAC 0.00003; gnomAD exomes 0.00003.
gnomAD v4.1: 22 of 1,613,466 alleles (0.0014%); highest among the groups gnomAD compares: Middle Eastern, 0.049%; no homozygotes.

Submissions (7):

All of Us Research Program, National Institutes of Health
Classification: Uncertain significance for Catecholaminergic polymorphic ventricular tachycardia. Last evaluated: 2024-09-11. Review status: criteria provided, single submitter. Criteria: ACMG Guidelines, 2015. Collection method: clinical testing. Allele origin: germline. Inheritance: Autosomal dominant inheritance. Observed: 7 variant alleles, 7 heterozygotes.
Comment: This missense variant replaces proline with serine at codon 2078 of the RYR2 protein. Computational prediction suggests that this variant may have deleterious impact on protein structure and function (internally defined REVEL score threshold >= 0.7, PMID: 27666373). To our knowledge, functional studies have not been reported for this variant. This variant has not been reported in individuals affected with cardiovascular disorders in the literature. This variant has been identified in 7/248608 chromosomes in the general population by the Genome Aggregation Database (gnomAD). The available evidence is insufficient to determine the role of this variant in disease conclusively. Therefore, this variant is classified as a Variant of Uncertain Significance.

This study involves interpretation of variants in research participants for the purpose of population health screening. Participant phenotype was not available at the time of variant classification. Additional details can be found in publication PMID: 35346344, PMCID: PMC8962531

Color Diagnostics, LLC DBA Color Health
Classification: Uncertain significance for Cardiomyopathy. Last evaluated: 2024-03-06. Review status: criteria provided, single submitter. Criteria: ACMG Guidelines, 2015. Collection method: clinical testing. Allele origin: germline.
Comment: This missense variant replaces proline with serine at codon 2078 of the RYR2 protein. Computational prediction suggests that this variant may have deleterious impact on protein structure and function (internally defined REVEL score threshold >= 0.7, PMID: 27666373). To our knowledge, functional studies have not been reported for this variant. This variant has not been reported in individuals affected with cardiovascular disorders in the literature. This variant has been identified in 7/248608 chromosomes in the general population by the Genome Aggregation Database (gnomAD). The available evidence is insufficient to determine the role of this variant in disease conclusively. Therefore, this variant is classified as a Variant of Uncertain Significance.

Labcorp Genetics (formerly Invitae), Labcorp
Classification: Uncertain significance for Catecholaminergic polymorphic ventricular tachycardia 1. Last evaluated: 2023-10-11. Review status: criteria provided, single submitter. Criteria: Invitae Variant Classification Sherloc (09022015). Collection method: clinical testing. Allele origin: germline.
Comment: This sequence change replaces proline, which is neutral and non-polar, with serine, which is neutral and polar, at codon 2078 of the RYR2 protein (p.Pro2078Ser). This variant is present in population databases (rs780993255, gnomAD 0.007%). This variant has not been reported in the literature in individuals affected with RYR2-related conditions. ClinVar contains an entry for this variant (Variation ID: 252509). Advanced modeling of protein sequence and biophysical properties (such as structural, functional, and spatial information, amino acid conservation, physicochemical variation, residue mobility, and thermodynamic stability) performed at Invitae indicates that this missense variant is expected to disrupt RYR2 protein function. In summary, the available evidence is currently insufficient to determine the role of this variant in disease. Therefore, it has been classified as a Variant of Uncertain Significance.

Department of Pathology and Laboratory Medicine, Sinai Health System
Classification: Uncertain significance for Ventricular arrhythmias due to cardiac ryanodine receptor calcium release deficiency syndrome; Catecholaminergic polymorphic ventricular tachycardia 1. Last evaluated: 2023-01-11. Review status: criteria provided, single submitter. Criteria: ACMG Guidelines, 2015. Collection method: research. Allele origin: germline.

Ambry Genetics
Classification: Uncertain significance for Cardiovascular phenotype. Last evaluated: 2021-05-09. Review status: criteria provided, single submitter. Criteria: Ambry Variant Classification Scheme 2023. Collection method: clinical testing. Allele origin: germline.
Comment: The p.P2078S variant (also known as c.6232C>T), located in coding exon 41 of the RYR2 gene, results from a C to T substitution at nucleotide position 6232. The proline at codon 2078 is replaced by serine, an amino acid with similar properties. This amino acid position is highly conserved in available vertebrate species. In addition, this alteration is predicted to be deleterious by in silico analysis. Since supporting evidence is limited at this time, the clinical significance of this alteration remains unclear.

AiLife Diagnostics
Classification: Uncertain significance. Last evaluated: 2020-06-23. Review status: criteria provided, single submitter. Criteria: ACMG Guidelines, 2015. Collection method: clinical testing. Allele origin: germline. Affected: yes. Observed: 1 variant allele.

Genomic Diagnostic Laboratory, Division of Genomic Diagnostics, Children's Hospital of Philadelphia
Classification: Uncertain significance for Catecholaminergic polymorphic ventricular tachycardia. Last evaluated: 2015-08-05. Review status: criteria provided, single submitter. Criteria: DGD Variant Analysis Guidelines. Collection method: clinical testing. Allele origin: unknown.

NM_001035.3(RYR2):c.6232C>T (p.Pro2078Ser)

Gene: RYR2 (ryanodine receptor 2; plus strand). Cytogenetic location: 1q43.
Variant type: single nucleotide variant.
Coding change: c.6232C>T on transcript NM_001035.3 (MANE Select); coding-DNA position 6232, C replaced by T.
Protein change: p.Pro2078Ser; replaces proline 2078 with serine.
Molecular consequence: missense variant.
Genome position (GRCh38, 1-based): chr1:237,627,872, C>T. VCF-style: chr1-237627872-C-T. GRCh37 (hg19) VCF-style: chr1-237791172-C-T.
Other names: c.6232C>T, p.Pro2078Ser (LRG_402t1); short protein forms P2078S.
Identifiers: ClinVar variation 252509 (VCV000252509.22), dbSNP rs780993255, ClinGen allele CA087077.